The following is an entry in ClinVar:

ClinVar aggregate classification (germline): Pathogenic (1 of 4 stars; one submission).

Conditions:
Neuromuscular disease caused by qualitative or quantitative defects of dysferlin. Also called: Qualitative or quantitative defects of dysferlin; Dysferlinopathy. Identifiers: Orphanet 207073, MedGen C2931687, MONDO:0016145.

Submission:

Labcorp Genetics (formerly Invitae), Labcorp
Classification: Pathogenic for Neuromuscular disease caused by qualitative or quantitative defects of dysferlin. Last evaluated: 2018-07-06. Review status: criteria provided, single submitter. Criteria: Invitae Variant Classification Sherloc (09022015). Collection method: clinical testing. Allele origin: germline.
Comment: For these reasons, this variant has been classified as Pathogenic. Loss-of-function variants in DYSF are known to be pathogenic (PMID: 17698709, 20301480). This variant has not been reported in the literature in individuals with DYSF-related disease. This variant is not present in population databases (ExAC no frequency). This sequence change creates a premature translational stop signal (p.Ile672Metfs*25) in the DYSF gene. It is expected to result in an absent or disrupted protein product.

Literature cited by the submitters: PubMed 17698709; PubMed 20301480.

NM_001130987.2(DYSF):c.2070del (p.Ile690fs)

Gene: DYSF (dysferlin; plus strand). Cytogenetic location: 2p13.2.
Variant type: Deletion.
Coding change: c.2070del on transcript NM_001130987.2 (MANE Select); coding-DNA position 2070, one base deleted (C; older notation c.2070delC).
Protein change: p.Ile690fs; shifts the reading frame from isoleucine 690.
Molecular consequence: frameshift variant.
Genome position (GRCh38, 1-based): chr2:71,553,892, C deleted. VCF-style (leftmost placement, unchanged base first): chr2-71553891-TC-T. GRCh37 (hg19) VCF-style: chr2-71781021-TC-T.
Other names: c.2016del, p.Ile672fs (NM_003494.4, NM_001130978.2); c.1974del, p.Ile658fs (NM_001130976.2, NM_001130977.2); c.2109del, p.Ile703fs (NM_001130979.2); c.2067del, p.Ile689fs (NM_001130980.2, NM_001130981.2); c.2112del, p.Ile704fs (NM_001130982.2); c.2019del, p.Ile673fs (NM_001130983.2, NM_001130455.2); c.1977del, p.Ile659fs (NM_001130984.2, NM_001130986.2); c.2070del, p.Ile690fs (NM_001130985.2); short protein forms I659fs, I703fs, I704fs, I658fs, I672fs, I673fs, I690fs, I689fs.
Identifiers: ClinVar variation 642604 (VCV000642604.6), dbSNP rs1573949142, ClinGen allele CA915942533.